The following is an entry in ClinVar:

ClinVar aggregate classification (germline): Likely benign. Review status: criteria provided, single submitter (1 of 4 stars). 2 submissions from 2 submitters: Likely benign (1). 1 of the submissions does not count toward it. Last evaluated 2025-10-26.

Conditions:
WDPCP-related disorder. Also called: WDPCP-related condition.
Bardet-Biedl syndrome (BBS). Identifiers: Orphanet 110, MedGen C0752166, MONDO:0015229.

gnomAD v4.1: 22 of 1,613,548 alleles (0.0014%); highest among the groups gnomAD compares: Non-Finnish European, 0.0018%; no homozygotes.

Submissions (2):

Labcorp Genetics (formerly Invitae), Labcorp
Classification: Likely benign for Bardet-Biedl syndrome. Last evaluated: 2025-10-26. Review status: criteria provided, single submitter. Criteria: Invitae Variant Classification Sherloc (09022015). Collection method: clinical testing. Allele origin: germline.

PreventionGenetics, part of Exact Sciences
Classification: Likely benign for WDPCP-related condition. Last evaluated: 2022-06-21. Review status: no assertion criteria provided. Collection method: clinical testing. Allele origin: germline. Not counted in ClinVar's aggregate classification.
Comment: This variant is classified as likely benign based on ACMG/AMP sequence variant interpretation guidelines (Richards et al. 2015 PMID: 25741868, with internal and published modifications).

NM_015910.7(WDPCP):c.1239C>A (p.Ile413=)

Gene: WDPCP (WD repeat containing planar cell polarity effector; minus strand). Cytogenetic location: 2p15.
Variant type: single nucleotide variant.
Coding change: c.1239C>A on transcript NM_015910.7 (MANE Select); coding-DNA position 1239, C replaced by A.
Protein change: p.Ile413=; no amino-acid change (isoleucine 413 retained).
Molecular consequence: synonymous variant. On other transcripts: non-coding transcript variant (3).
Genome position (GRCh38, 1-based): chr2:63,404,244, G>T on the plus strand (C>A on the coding strand, the complement: WDPCP is on the minus strand). VCF-style: chr2-63404244-G-T. GRCh37 (hg19) VCF-style: chr2-63631379-G-T.
Other names: c.762C>A, p.Ile254= (NM_001042692.3); c.1167C>A, p.Ile389= (NM_001354044.2); c.1239C>A, p.Ile413= (NM_001354045.2).
Identifiers: ClinVar variation 3353547 (VCV003353547.2).